The following is an entry in ClinVar:

ClinVar aggregate classification (germline): Likely benign (0 of 4 stars; one submission).

Conditions:
PLXNA3-related disorder. Also called: PLXNA3-related condition.

Allele frequency attached by ClinVar (database versions not stated): gnomAD exomes 0.00003; ExAC 0.00008; ESP Exome Variant Server 0.00019; 1000 Genomes Project 0.00026; gnomAD 0.00026; 1000 Genomes Project 30x 0.00042; TOPMed 0.00045.
gnomAD v4.1: 68 of 1,198,970 alleles (0.0057%); highest among the groups gnomAD compares: Admixed American, 0.065%; no homozygotes.

Submission:

PreventionGenetics, part of Exact Sciences
Classification: Likely benign for PLXNA3-related condition. Last evaluated: 2021-06-02. Review status: no assertion criteria provided. Collection method: clinical testing. Allele origin: germline.
Comment: This variant is classified as likely benign based on ACMG/AMP sequence variant interpretation guidelines (Richards et al. 2015 PMID: 25741868, with internal and published modifications).

NM_017514.5(PLXNA3):c.4794C>T (p.Tyr1598=)

Gene: PLXNA3 (plexin A3; plus strand). Cytogenetic location: Xq28.
Variant type: single nucleotide variant.
Coding change: c.4794C>T on transcript NM_017514.5 (MANE Select); coding-DNA position 4794, C replaced by T.
Protein change: p.Tyr1598=; no amino-acid change (tyrosine 1598 retained).
Molecular consequence: synonymous variant.
Genome position (GRCh38, 1-based): chrX:154,469,783, C>T. VCF-style: chrX-154469783-C-T. GRCh37 (hg19) VCF-style: chrX-153698126-C-T.
Identifiers: ClinVar variation 3054615 (VCV003054615.2), dbSNP rs200031701, ClinGen allele CA10564960.